The following is an entry in ClinVar:

ClinVar aggregate classification (germline): Uncertain significance (1 of 4 stars; one submission).

Conditions:
Hereditary cancer-predisposing syndrome. Also called: Neoplastic Syndromes, Hereditary; Tumor predisposition; Hereditary neoplastic syndrome; Hereditary Cancer Syndrome. Identifiers: Orphanet 140162, MedGen C0027672, MeSH D009386, MONDO:0015356.

gnomAD v4.1: 1 of 1,614,212 alleles (0.000062%); highest among the groups gnomAD compares: Non-Finnish European, 0.000085%; no homozygotes.

Submission:

Ambry Genetics
Classification: Uncertain significance for Hereditary cancer-predisposing syndrome. Last evaluated: 2026-07-07. Review status: criteria provided, single submitter. Criteria: Ambry Variant Classification Scheme 2023. Collection method: clinical testing. Allele origin: germline.
Comment: The p.C236Y variant (also known as c.707G>A), located in coding exon 1 of the AXIN2 gene, results from a G to A substitution at nucleotide position 707. The cysteine at codon 236 is replaced by tyrosine, an amino acid with highly dissimilar properties. This amino acid position is conserved. In addition, this alteration is predicted to be deleterious by in silico analysis. Based on the available evidence, the clinical significance of this variant remains unclear.

NM_004655.4(AXIN2):c.707G>A (p.Cys236Tyr)

Gene: AXIN2 (axin 2; minus strand). Cytogenetic location: 17q24.1.
Variant type: single nucleotide variant.
Coding change: c.707G>A on transcript NM_004655.4 (MANE Select); coding-DNA position 707, G replaced by A.
Protein change: p.Cys236Tyr; replaces cysteine 236 with tyrosine.
Molecular consequence: missense variant.
Genome position (GRCh38, 1-based): chr17:65,557,914, C>T on the plus strand (G>A on the coding strand, the complement: AXIN2 is on the minus strand). VCF-style: chr17-65557914-C-T. GRCh37 (hg19) VCF-style: chr17-63554032-C-T.
Other names: c.707G>A, p.Cys236Tyr (NM_001363813.1); short protein forms C236Y.
Identifiers: ClinVar variation 5032625 (VCV005032625.1).